The following is an entry in ClinVar:

ClinVar aggregate classification (germline): Uncertain significance. Review status: criteria provided, multiple submitters, no conflicts (2 of 4 stars). 2 submissions from 2 submitters: Uncertain significance (2). Last evaluated 2022-06-09.

Conditions:
Primary ciliary dyskinesia. Also called: Ciliary dyskinesia. Identifiers: Orphanet 244, MedGen C0008780, MONDO:0016575, HP:0012265.

Allele frequency attached by ClinVar (database versions not stated): gnomAD exomes below 0.00001; gnomAD 0.00001.
gnomAD v4.1: 5 of 1,574,302 alleles (0.00032%); highest among the groups gnomAD compares: Middle Eastern, 0.033%; no homozygotes.

Submissions (2):

Blueprint Genetics
Classification: Uncertain significance. Last evaluated: 2022-06-09. Review status: criteria provided, single submitter. Criteria: ACMG Guidelines, 2015. Collection method: clinical testing. Allele origin: germline.

Labcorp Genetics (formerly Invitae), Labcorp
Classification: Uncertain significance for Primary ciliary dyskinesia. Last evaluated: 2021-08-27. Review status: criteria provided, single submitter. Criteria: Invitae Variant Classification Sherloc (09022015). Collection method: clinical testing. Allele origin: germline.
Comment: This sequence change replaces glutamine with histidine at codon 602 of the RSPH4A protein (p.Gln602His). The glutamine residue is moderately conserved and there is a small physicochemical difference between glutamine and histidine. This variant is not present in population databases (ExAC no frequency). This variant has not been reported in the literature in individuals affected with RSPH4A-related conditions. Algorithms developed to predict the effect of missense changes on protein structure and function are either unavailable or do not agree on the potential impact of this missense change (SIFT: "Deleterious"; PolyPhen-2: "Probably Damaging"; Align-GVGD: "Class C0"). In summary, the available evidence is currently insufficient to determine the role of this variant in disease. Therefore, it has been classified as a Variant of Uncertain Significance.

NM_001010892.3(RSPH4A):c.1806G>T (p.Gln602His)

Gene: RSPH4A (radial spoke head component 4A; plus strand). Cytogenetic location: 6q22.1.
Variant type: single nucleotide variant.
Coding change: c.1806G>T on transcript NM_001010892.3 (MANE Select); coding-DNA position 1806, G replaced by T.
Protein change: p.Gln602His; replaces glutamine 602 with histidine.
Molecular consequence: missense variant.
Genome position (GRCh38, 1-based): chr6:116,630,442, G>T. VCF-style: chr6-116630442-G-T. GRCh37 (hg19) VCF-style: chr6-116951605-G-T.
Other names: c.1670G>T, p.Arg557Ile (NM_001161664.2); short protein forms Q602H, R557I.
Identifiers: ClinVar variation 956118 (VCV000956118.8), dbSNP rs1775775547, ClinGen allele CA365409694.
Genomic context (GRCh38, chr6:116,630,442, plus strand): 5'-TAGATTCTTGTCTAGTTAGGAATTAAGCTTTTGCATTTCTCTTTGGGTTCCAGAGATTCA[G>T]AATATACCCCCCTGGACAACACGGTTATCCTCAAATCTCATTCCACAATATGCTATTGCA-3'
Protein context (NP_001010892.1, residues 592-612): LTPISEDLEI[Gln602His]NIPPWTTRLS